The following is an entry in ClinVar:

ClinVar aggregate classification (germline): Pathogenic (1 of 4 stars; one submission).

gnomAD v4.1: 2 of 1,613,898 alleles (0.00012%); highest among the groups gnomAD compares: African/African-American, 0.0027%; no homozygotes.

Submission:

Labcorp Genetics (formerly Invitae), Labcorp
Classification: Pathogenic. Last evaluated: 2025-06-15. Review status: criteria provided, single submitter. Criteria: Invitae Variant Classification Sherloc (09022015). Collection method: clinical testing. Allele origin: germline.
Comment: This sequence change creates a premature translational stop signal (p.Gln540*) in the AP3B2 gene. It is expected to result in an absent or disrupted protein product. Loss-of-function variants in AP3B2 are known to be pathogenic (PMID: 27889060). This variant is present in population databases (rs767970176, gnomAD 0.01%). This variant has not been reported in the literature in individuals affected with AP3B2-related conditions. For these reasons, this variant has been classified as Pathogenic.

Literature cited by the submitters: PubMed 27889060.

NM_001278512.2(AP3B2):c.1618C>T (p.Gln540Ter)

Genes: AP3B2 (adaptor related protein complex 3 subunit beta 2; minus strand), CPEB1-AS1 (CPEB1 antisense RNA 1; plus strand). Cytogenetic location: 15q25.2.
Variant type: single nucleotide variant.
Coding change: c.1618C>T on transcript NM_001278512.2 (MANE Select); coding-DNA position 1618, C replaced by T.
Protein change: p.Gln540Ter; replaces glutamine 540 with a stop codon.
Molecular consequence: nonsense.
Genome position (GRCh38, 1-based): chr15:82,676,508, G>A on the plus strand (C>T on the coding strand, the complement: AP3B2 is on the minus strand). VCF-style: chr15-82676508-G-A. GRCh37 (hg19) VCF-style: chr15-83345260-G-A.
Other names: c.1522C>T, p.Gln508Ter (NM_001278511.2); c.1618C>T, p.Gln540Ter (NM_004644.5); short protein forms Q508*, Q540*.
Identifiers: ClinVar variation 4771713 (VCV004771713.1).